The following is an entry in ClinVar:

NM_000505.4(F12):c.115+7G>T

Gene: F12 (coagulation factor XII; minus strand). Cytogenetic location: 5q35.3.
Variant type: single nucleotide variant.
Coding change: c.115+7G>T on transcript NM_000505.4 (MANE Select); 7 bases into the intron after coding-DNA position 115, G replaced by T.
Molecular consequence: intron variant.
Genome position (GRCh38, 1-based): chr5:177,409,039, C>A on the plus strand (G>T on the coding strand, the complement: F12 is on the minus strand). VCF-style: chr5-177409039-C-A. GRCh37 (hg19) VCF-style: chr5-176836040-C-A.
Identifiers: ClinVar variation 4984054 (VCV004984054.1).

ClinVar aggregate classification (germline): Likely benign (1 of 4 stars; one submission).

Conditions:
F12-related disorder. Also called: F12-related condition; F12-related disorders. Identifiers: MedGen CN239389.

Submission:

PreventionGenetics, part of Exact Sciences
Classification: Likely benign for F12-related condition. Last evaluated: 2024-11-06. Review status: criteria provided, single submitter. Criteria: ACMG Guidelines, 2015. Collection method: clinical testing. Allele origin: germline.
Comment: This variant is classified as likely benign based on ACMG/AMP sequence variant interpretation guidelines (Richards et al. 2015 PMID: 25741868, with internal and published modifications).